The following is an entry in ClinVar:

NM_000302.4(PLOD1):c.1839C>A (p.His613Gln)

Gene: PLOD1 (procollagen-lysine,2-oxoglutarate 5-dioxygenase 1; plus strand). Cytogenetic location: 1p36.22.
Variant type: single nucleotide variant.
Coding change: c.1839C>A on transcript NM_000302.4 (MANE Select); coding-DNA position 1839, C replaced by A.
Protein change: p.His613Gln; replaces histidine 613 with glutamine.
Molecular consequence: missense variant.
Genome position (GRCh38, 1-based): chr1:11,970,753, C>A. VCF-style: chr1-11970753-C-A. GRCh37 (hg19) VCF-style: chr1-12030810-C-A.
Other names: c.1980C>A, p.His660Gln (NM_001316320.2); short protein forms H660Q, H613Q.
Identifiers: ClinVar variation 836148 (VCV000836148.9), dbSNP rs768638113, ClinGen allele CA598586.

ClinVar aggregate classification (germline): Uncertain significance. Review status: criteria provided, multiple submitters, no conflicts (2 of 4 stars). 2 submissions from 2 submitters: Uncertain significance (2). Last evaluated 2022-03-12.

Conditions:
Familial thoracic aortic aneurysm and aortic dissection (TAAD). Also called: Thoracic aortic aneurysms and dissections. Identifiers: Orphanet 91387, MedGen C4707243, MONDO:0019625.
Ehlers-Danlos syndrome, kyphoscoliotic type 1 (EDSKSCL1). Also called: PLOD1-Related Kyphoscoliotic Ehlers-Danlos Syndrome; Ehlers-Danlos syndrome, hydroxylysine-deficient; EHLERS-DANLOS SYNDROME, TYPE VIA; EHLERS-DANLOS SYNDROME, OCULAR-SCOLIOTIC TYPE. Identifiers: Orphanet 1900, MedGen C0268342, MONDO:0016002, OMIM 225400. Disease mechanism: loss of function.

Allele frequency attached by ClinVar (database versions not stated): gnomAD exomes below 0.00001 and 0.00001; ExAC 0.00001; gnomAD 0.00001; TOPMed 0.00001.
gnomAD v4.1: 12 of 1,611,918 alleles (0.00074%); highest among the groups gnomAD compares: African/African-American, 0.0013%; no homozygotes.

Submissions (2):

Ambry Genetics
Classification: Uncertain significance for Familial thoracic aortic aneurysm and aortic dissection. Last evaluated: 2022-03-12. Review status: criteria provided, single submitter. Criteria: Ambry Variant Classification Scheme 2023. Collection method: clinical testing. Allele origin: germline.
Comment: The p.H613Q variant (also known as c.1839C>A), located in coding exon 17 of the PLOD1 gene, results from a C to A substitution at nucleotide position 1839. The histidine at codon 613 is replaced by glutamine, an amino acid with highly similar properties. This amino acid position is conserved. In addition, this alteration is predicted to be tolerated by in silico analysis. Since supporting evidence is limited at this time, the clinical significance of this alteration remains unclear.

Labcorp Genetics (formerly Invitae), Labcorp
Classification: Uncertain significance for Ehlers-Danlos syndrome, kyphoscoliotic type 1. Last evaluated: 2021-08-27. Review status: criteria provided, single submitter. Criteria: Invitae Variant Classification Sherloc (09022015). Collection method: clinical testing. Allele origin: germline.
Comment: This sequence change replaces histidine with glutamine at codon 613 of the PLOD1 protein (p.His613Gln). The histidine residue is moderately conserved and there is a small physicochemical difference between histidine and glutamine. The frequency data for this variant in the population databases is considered unreliable, as metrics indicate poor data quality at this position in the ExAC database. This variant has not been reported in the literature in individuals affected with PLOD1-related conditions. Algorithms developed to predict the effect of missense changes on protein structure and function (SIFT, PolyPhen-2, Align-GVGD) all suggest that this variant is likely to be tolerated. In summary, the available evidence is currently insufficient to determine the role of this variant in disease. Therefore, it has been classified as a Variant of Uncertain Significance.